The following is an entry in ClinVar:

ClinVar aggregate classification (germline): Uncertain significance (1 of 4 stars; one submission).

Submission:

Labcorp Genetics (formerly Invitae), Labcorp
Classification: Uncertain significance. Last evaluated: 2025-08-20. Review status: criteria provided, single submitter. Criteria: Invitae Variant Classification Sherloc (09022015). Collection method: clinical testing. Allele origin: germline.
Comment: This sequence change replaces proline, which is neutral and non-polar, with serine, which is neutral and polar, at codon 560 of the COL11A1 protein (p.Pro560Ser). This variant is not present in population databases (gnomAD no frequency). This variant has not been reported in the literature in individuals affected with COL11A1-related conditions. Invitae Evidence Modeling of protein sequence and biophysical properties (such as structural, functional, and spatial information, amino acid conservation, physicochemical variation, residue mobility, and thermodynamic stability) indicates that this missense variant is not expected to disrupt COL11A1 protein function with a negative predictive value of 80%. In summary, the available evidence is currently insufficient to determine the role of this variant in disease. Therefore, it has been classified as a Variant of Uncertain Significance.

NM_001854.4(COL11A1):c.1678C>T (p.Pro560Ser)

Gene: COL11A1 (collagen type XI alpha 1 chain; minus strand). Cytogenetic location: 1p21.1.
Variant type: single nucleotide variant.
Coding change: c.1678C>T on transcript NM_001854.4 (MANE Select); coding-DNA position 1678, C replaced by T.
Protein change: p.Pro560Ser; replaces proline 560 with serine.
Molecular consequence: missense variant. On other transcripts: non-coding transcript variant (1).
Genome position (GRCh38, 1-based): chr1:103,008,468, G>A on the plus strand (C>T on the coding strand, the complement: COL11A1 is on the minus strand). VCF-style: chr1-103008468-G-A. GRCh37 (hg19) VCF-style: chr1-103474024-G-A.
Other names: c.1561C>T, p.Pro521Ser (NM_001190709.2); c.1714C>T, p.Pro572Ser (NM_080629.3); c.1330C>T, p.Pro444Ser (NM_080630.4); short protein forms P444S, P560S, P521S, P572S.
Identifiers: ClinVar variation 4754482 (VCV004754482.1).
Genomic context (GRCh38, chr1:103,008,468, plus strand): 5'-TATGCTGTATCAAAGAAGCCAGTCAAGAATAAAAAGTCAAATTTTTATTTTTTACCTGAG[G>A]ACCTGGATCACCACTCTCACCTTTGGCCCCAGATGAACCAGGCCCCCCCTATAGAGAAAA-3'
Protein context (NP_001845.3, residues 550-570): GAKGESGDPG[Pro560Ser]QGPRGVQGPP